The following is an entry in ClinVar:

ClinVar aggregate classification (germline): Uncertain significance (1 of 4 stars; one submission).

Submission:

GeneDx
Classification: Uncertain significance. Last evaluated: 2024-11-19. Review status: criteria provided, single submitter. Criteria: GeneDx Variant Classification Process June 2021. Collection method: clinical testing. Allele origin: germline. Affected: yes.
Comment: Not observed at significant frequency in large population cohorts (gnomAD); In silico analysis supports that this missense variant has a deleterious effect on protein structure/function; Has not been previously published as pathogenic or benign to our knowledge.

NM_000540.3(RYR1):c.5508C>G (p.Phe1836Leu)

Gene: RYR1 (ryanodine receptor 1; plus strand). Cytogenetic location: 19q13.2.
Variant type: single nucleotide variant.
Coding change: c.5508C>G on transcript NM_000540.3 (MANE Select); coding-DNA position 5508, C replaced by G.
Protein change: p.Phe1836Leu; replaces phenylalanine 1836 with leucine.
Molecular consequence: missense variant.
Genome position (GRCh38, 1-based): chr19:38,486,163, C>G. VCF-style: chr19-38486163-C-G. GRCh37 (hg19) VCF-style: chr19-38976803-C-G.
Other names: c.5508C>G, p.Phe1836Leu (NM_001042723.2); short protein forms F1836L.
Identifiers: ClinVar variation 3899754 (VCV003899754.1).